The following is an entry in ClinVar:

ClinVar aggregate classification (germline): Likely benign (1 of 4 stars; one submission).

gnomAD v4.1: 789 of 1,613,656 alleles (0.049%); highest among the groups gnomAD compares: African/African-American, 0.94%; 12 homozygotes.

Submission:

CeGaT Center for Human Genetics Tuebingen
Classification: Likely benign. Last evaluated: 2026-04-01. Review status: criteria provided, single submitter. Criteria: CeGaT Center For Human Genetics Tuebingen Variant Classification Criteria Version 2. Collection method: clinical testing. Allele origin: germline. Affected: yes. Observed: 1 variant allele.
Comment: ABCA13: BS2

NM_152701.5(ABCA13):c.2621C>T (p.Ser874Phe)

Gene: ABCA13 (ATP binding cassette subfamily A member 13; plus strand). Cytogenetic location: 7p12.3.
Variant type: single nucleotide variant.
Coding change: c.2621C>T on transcript NM_152701.5 (MANE Select); coding-DNA position 2621, C replaced by T.
Protein change: p.Ser874Phe; replaces serine 874 with phenylalanine.
Molecular consequence: missense variant.
Genome position (GRCh38, 1-based): chr7:48,272,287, C>T. VCF-style: chr7-48272287-C-T. GRCh37 (hg19) VCF-style: chr7-48311884-C-T.
Other names: short protein forms S874F.
Identifiers: ClinVar variation 4873194 (VCV004873194.2).